The following is an entry in ClinVar:

NM_000226.4(KRT9):c.1034_1035del (p.Gln344_Tyr345insTer)

Gene: KRT9 (keratin 9; minus strand). Cytogenetic location: 17q21.2.
Variant type: Microsatellite.
Coding change: c.1034_1035del on transcript NM_000226.4 (MANE Select); coding-DNA positions 1034 to 1035, 2 bases deleted (AT; older notation c.1034_1035delAT).
Protein change: p.Gln344_Tyr345insTer.
Molecular consequence: nonsense.
Genome position (GRCh38, 1-based): chr17:41,569,435-41,569,436, AT deleted on the plus strand (AT on the coding strand, the reverse complement: KRT9 is on the minus strand); deleting any 2 consecutive bases within chr17:41,569,435-41,569,438 gives the same sequence; the c. name uses the placement nearest the transcript's 3' end. VCF-style (leftmost placement, unchanged base first): chr17-41569434-CAT-C. GRCh37 (hg19) VCF-style: chr17-39725686-CAT-C.
Identifiers: ClinVar variation 3389865 (VCV003389865.14).

ClinVar aggregate classification (germline): Uncertain significance (1 of 4 stars; one submission).

Submission:

CeGaT Center for Human Genetics Tuebingen
Classification: Uncertain significance. Last evaluated: 2024-10-01. Review status: criteria provided, single submitter. Criteria: CeGaT Center For Human Genetics Tuebingen Variant Classification Criteria Version 2. Collection method: clinical testing. Allele origin: germline. Affected: yes. Observed: 1 variant allele.
Comment: KRT9: PM2